The following is an entry in ClinVar:

NM_001377540.1(SLMAP):c.1009G>A (p.Ala337Thr)

Gene: SLMAP (sarcolemma associated protein; plus strand). Cytogenetic location: 3p14.3.
Variant type: single nucleotide variant.
Coding change: c.1009G>A on transcript NM_001377540.1 (MANE Select); coding-DNA position 1009, G replaced by A.
Protein change: p.Ala337Thr; replaces alanine 337 with threonine.
Molecular consequence: missense variant. On other transcripts: non-coding transcript variant (1).
Genome position (GRCh38, 1-based): chr3:57,864,590, G>A. VCF-style: chr3-57864590-G-A. GRCh37 (hg19) VCF-style: chr3-57850317-G-A.
Other names: c.1009G>A, p.Ala337Thr (NM_001304420.3, NM_001304421.2, NM_001377538.1 and 17 more transcripts); short protein forms A337T.
Identifiers: ClinVar variation 2061382 (VCV002061382.4), dbSNP rs1256716452, ClinGen allele CA353409238.
Genomic context (GRCh38, chr3:57,864,590, plus strand): 5'-ATTTTCTTATTTTTCTAGGTAGCAGAGGGAAAACAAGAGGAAATCCAACAGAAGGGACAG[G>A]CTGAGAAAAAAGAATTACAACATAAAATAGATGAAATGGAAGAAAAAGAACAGGAGCTCC-3'
Protein context (NP_001364469.1, residues 327-347): KQEEIQQKGQ[Ala337Thr]EKKELQHKID

ClinVar aggregate classification (germline): Uncertain significance (1 of 4 stars; one submission).

Conditions:
Brugada syndrome. Also called: Sudden unexpected nocturnal death syndrome; Sudden Unexplained Death Syndrome; Sudden Unexplained Nocturnal Death Syndrome (SUNDS); Sudden unexplained nocturnal death syndrome. Identifiers: Orphanet 130, MedGen C1142166, MONDO:0015263.

Submission:

Labcorp Genetics (formerly Invitae), Labcorp
Classification: Uncertain significance for Brugada syndrome. Last evaluated: 2021-12-26. Review status: criteria provided, single submitter. Criteria: Invitae Variant Classification Sherloc (09022015). Collection method: clinical testing. Allele origin: germline.
Comment: In summary, the available evidence is currently insufficient to determine the role of this variant in disease. Therefore, it has been classified as a Variant of Uncertain Significance. Algorithms developed to predict the effect of missense changes on protein structure and function (SIFT, PolyPhen-2, Align-GVGD) all suggest that this variant is likely to be tolerated. This variant has not been reported in the literature in individuals affected with SLMAP-related conditions. This variant is not present in population databases (gnomAD no frequency). This sequence change replaces alanine, which is neutral and non-polar, with threonine, which is neutral and polar, at codon 337 of the SLMAP protein (p.Ala337Thr).